The following is an entry in ClinVar:

NM_000161.3(GCH1):c.507G>A (p.Ala169=)

Gene: GCH1 (GTP cyclohydrolase 1; minus strand). Cytogenetic location: 14q22.2.
Variant type: single nucleotide variant.
Coding change: c.507G>A on transcript NM_000161.3 (MANE Select); coding-DNA position 507, G replaced by A.
Protein change: p.Ala169=; no amino-acid change (alanine 169 retained).
Molecular consequence: synonymous variant.
Genome position (GRCh38, 1-based): chr14:54,859,683, C>T on the plus strand (G>A on the coding strand, the complement: GCH1 is on the minus strand). VCF-style: chr14-54859683-C-T. GRCh37 (hg19) VCF-style: chr14-55326401-C-T.
Other names: p.Ala169=; c.507G>A, p.Ala169= (NM_001024024.2, NM_001024070.2, NM_001024071.2).
Identifiers: ClinVar variation 313395 (VCV000313395.24), dbSNP rs150158277, ClinGen allele CA7193579.

ClinVar aggregate classification (germline): Conflicting classifications of pathogenicity. Review status: criteria provided, conflicting classifications (1 of 4 stars). 8 submissions from 7 submitters: Uncertain significance (2); Benign (4); Likely benign (1). 1 of the submissions does not count toward it. Last evaluated 2026-09-01.

Conditions:
GTP cyclohydrolase I deficiency. Identifiers: MedGen C0268467, MONDO:0100184.
Dystonia 5 (DRD). Also called: GTP Cyclohydrolase 1-Deficient Dopa-Responsive Dystonia; Dystonia, DOPA-responsive, with or without hyperphenylalaninemia; DYT-GCH1; DYSTONIA, PROGRESSIVE, WITH DIURNAL VARIATION; DYSTONIA-PARKINSONISM WITH DIURNAL FLUCTUATION. Identifiers: Orphanet 98808, MedGen C1851920, MONDO:0007495, OMIM 128230.
GCH1-related disorder. Also called: GCH1-related condition.

Allele frequency attached by ClinVar (database versions not stated): 1000 Genomes Project 30x 0.00016; 1000 Genomes Project 0.00020; gnomAD 0.00029; TOPMed 0.00064; ESP Exome Variant Server 0.00085.
gnomAD v4.1: 1,001 of 1,576,860 alleles (0.063%); highest among the groups gnomAD compares: Non-Finnish European, 0.013%; 16 homozygotes.

Submissions (8):

CeGaT Center for Human Genetics Tuebingen
Classification: Likely benign. Last evaluated: 2026-09-01. Review status: criteria provided, single submitter. Criteria: CeGaT Center For Human Genetics Tuebingen Variant Classification Criteria Version 2. Collection method: clinical testing. Allele origin: germline. Affected: yes. Observed: 1 variant allele.
Comment: GCH1: BP4, BP7

Labcorp Genetics (formerly Invitae), Labcorp
Classification: Benign for GTP cyclohydrolase I deficiency; Dystonia 5. Last evaluated: 2026-01-28. Review status: criteria provided, single submitter. Criteria: Invitae Variant Classification Sherloc (09022015). Collection method: clinical testing. Allele origin: germline.

Mayo Clinic Laboratories, Mayo Clinic
Classification: Benign. Last evaluated: 2025-01-20. Review status: criteria provided, single submitter. Criteria: ACMG Guidelines, 2015. Collection method: clinical testing. Allele origin: germline. Observed: 5 variant alleles.
Comment: BS1, BS2, BP4, BP7

GeneDx
Classification: Benign. Last evaluated: 2021-02-26. Review status: criteria provided, single submitter. Criteria: GeneDx Variant Classification Process June 2021. Collection method: clinical testing. Allele origin: germline. Affected: yes.

Elsea Laboratory, Baylor College of Medicine
Classification: Uncertain significance for Dystonia 5; GTP cyclohydrolase I deficiency with hyperphenylalaninemia. Last evaluated: 2020-04-01. Review status: criteria provided, single submitter. Criteria: ACMG Guidelines, 2015. Collection method: clinical testing. Allele origin: paternal. Affected: no.

Illumina Laboratory Services, Illumina
Classification: Uncertain significance for GTP cyclohydrolase I deficiency with hyperphenylalaninemia. Last evaluated: 2018-01-12. Review status: criteria provided, single submitter. Criteria: ICSL Variant Classification Criteria 13 December 2019. Collection method: clinical testing. Allele origin: germline.

Illumina Laboratory Services, Illumina
Classification: Benign for Dystonia 5. Last evaluated: 2018-01-12. Review status: criteria provided, single submitter. Criteria: ICSL Variant Classification Criteria 13 December 2019. Collection method: clinical testing. Allele origin: germline.
Comment: This variant was observed in the ICSL laboratory as part of a predisposition screen in an ostensibly healthy population. It had not been previously curated by ICSL or reported in the Human Gene Mutation Database (HGMD: prior to June 1st, 2018), and was therefore a candidate for classification through an automated scoring system. Utilizing variant allele frequency, disease prevalence and penetrance estimates, and inheritance mode, an automated score was calculated to assess if this variant is too frequent to cause the disease. Based on the score and internal cut-off values, a variant classified as benign is not then subjected to further curation. The score for this variant resulted in a classification of benign for this disease.

PreventionGenetics, part of Exact Sciences
Classification: Benign for GCH1-related condition. Last evaluated: 2019-11-06. Review status: no assertion criteria provided. Collection method: clinical testing. Allele origin: germline. Not counted in ClinVar's aggregate classification.
Comment: This variant is classified as benign based on ACMG/AMP sequence variant interpretation guidelines (Richards et al. 2015 PMID: 25741868, with internal and published modifications).